The following is an entry in ClinVar:

ClinVar aggregate classification (germline): Uncertain significance (1 of 4 stars; one submission).

Conditions:
Hereditary sensory and autonomic neuropathy type 6. Also called: Neuropathy, hereditary sensory and autonomic, type VI; HSAN VI. Identifiers: Orphanet 314381, MedGen C3539003, MONDO:0013839, OMIM 614653.
Epidermolysis bullosa simplex 3, localized or generalized intermediate, with BP230 deficiency (EBS3). Also called: Epidermolysis bullosa simplex, autosomal recessive 2; Epidermolysis bullosa simplex due to BP230 deficiency. Identifiers: Orphanet 412181, MedGen C3809470, MONDO:0014180, OMIM 615425.

Submission:

Labcorp Genetics (formerly Invitae), Labcorp
Classification: Uncertain significance for Epidermolysis bullosa simplex 3, localized or generalized intermediate, with BP230 deficiency; Hereditary sensory and autonomic neuropathy type 6. Last evaluated: 2022-07-19. Review status: criteria provided, single submitter. Criteria: Invitae Variant Classification Sherloc (09022015). Collection method: clinical testing. Allele origin: germline.
Comment: In summary, the available evidence is currently insufficient to determine the role of this variant in disease. Therefore, it has been classified as a Variant of Uncertain Significance. Algorithms developed to predict the effect of missense changes on protein structure and function (SIFT, PolyPhen-2, Align-GVGD) all suggest that this variant is likely to be disruptive. ClinVar contains an entry for this variant (Variation ID: 1407802). This variant has not been reported in the literature in individuals affected with DST-related conditions. This variant is not present in population databases (gnomAD no frequency). This sequence change replaces aspartic acid, which is acidic and polar, with glycine, which is neutral and non-polar, at codon 971 of the DST protein (p.Asp971Gly).

NM_001374736.1(DST):c.4523A>G (p.Asp1508Gly)

Gene: DST (dystonin; minus strand). Cytogenetic location: 6p12.1.
Variant type: single nucleotide variant.
Coding change: c.4523A>G on transcript NM_001374736.1 (MANE Select); coding-DNA position 4523, A replaced by G.
Protein change: p.Asp1508Gly; replaces aspartic acid 1508 with glycine.
Molecular consequence: missense variant.
Genome position (GRCh38, 1-based): chr6:56,628,114, T>C on the plus strand (A>G on the coding strand, the complement: DST is on the minus strand). VCF-style: chr6-56628114-T-C. GRCh37 (hg19) VCF-style: chr6-56492912-T-C.
Other names: c.4424A>G, p.Asp1475Gly (NM_001144769.5); c.4010A>G, p.Asp1337Gly (NM_001144770.2); c.4523A>G, p.Asp1508Gly (NM_001374722.1); c.3890A>G, p.Asp1297Gly (NM_001374729.1, NM_001374730.1, NM_001386100.1 and 1 more transcripts); c.4550A>G, p.Asp1517Gly (NM_001374734.1); c.2912A>G, p.Asp971Gly (NM_001723.7, NM_015548.5); short protein forms D1475G, D1508G, D971G, D1297G, D1337G, D1517G.
Identifiers: ClinVar variation 1407802 (VCV001407802.6), dbSNP rs2152753248, ClinGen allele CA364573411.